The following is an entry in ClinVar:

NM_018127.7(ELAC2):c.139G>T (p.Gly47Ter)

Gene: ELAC2 (elaC ribonuclease Z 2; minus strand). Cytogenetic location: 17p12.
Variant type: single nucleotide variant.
Coding change: c.139G>T on transcript NM_018127.7 (MANE Select); coding-DNA position 139, G replaced by T.
Protein change: p.Gly47Ter; replaces glycine 47 with a stop codon.
Molecular consequence: nonsense.
Genome position (GRCh38, 1-based): chr17:13,017,809, C>A on the plus strand (G>T on the coding strand, the complement: ELAC2 is on the minus strand). VCF-style: chr17-13017809-C-A. GRCh37 (hg19) VCF-style: chr17-12921126-C-A.
Other names: c.139G>T, p.Gly47Ter (NM_001165962.2, NM_173717.2); short protein forms G47*.
Identifiers: ClinVar variation 3691371 (VCV003691371.2).

ClinVar aggregate classification (germline): Pathogenic (1 of 4 stars; one submission).

Conditions:
Combined oxidative phosphorylation defect type 17. Also called: Combined oxidative phosphorylation deficiency 17. Identifiers: Orphanet 369913, MedGen C3809526, MONDO:0014190, OMIM 615440.

Submission:

Labcorp Genetics (formerly Invitae), Labcorp
Classification: Pathogenic for Combined oxidative phosphorylation defect type 17. Last evaluated: 2026-01-06. Review status: criteria provided, single submitter. Criteria: Invitae Variant Classification Sherloc (09022015). Collection method: clinical testing. Allele origin: germline.
Comment: This sequence change creates a premature translational stop signal (p.Gly47*) in the ELAC2 gene. It is expected to result in an absent or disrupted protein product. Loss-of-function variants in ELAC2 are known to be pathogenic (PMID: 27769300, 31045291). This variant is not present in population databases (gnomAD no frequency). This variant has not been reported in the literature in individuals affected with ELAC2-related conditions. ClinVar contains an entry for this variant (Variation ID: 3691371). For these reasons, this variant has been classified as Pathogenic.

Literature cited by the submitters: PubMed 27769300; PubMed 31045291.